The following is an entry in ClinVar:

NM_000202.8(IDS):c.636del (p.Met212fs)

Genes: IDS (iduronate 2-sulfatase; minus strand), LOC106050102 (IDS recombination region; plus strand). Cytogenetic location: Xq28.
Variant type: Deletion.
Coding change: c.636del on transcript NM_000202.8 (MANE Select); coding-DNA position 636, one base deleted (G; older notation c.636delG).
Protein change: p.Met212fs; shifts the reading frame from methionine 212.
Molecular consequence: frameshift variant. On other transcripts: non-coding transcript variant (1).
Genome position (GRCh38, 1-based): chrX:149,498,179, C deleted on the plus strand (G on the coding strand, the reverse complement: IDS is on the minus strand). VCF-style (leftmost placement, unchanged base first): chrX-149498178-TC-T. GRCh37 (hg19) VCF-style: chrX-148579709-TC-T.
Other names: c.366del, p.Met122fs (NM_001166550.4); c.636del, p.Met212fs (NM_006123.5); short protein forms M122fs, M212fs.
Identifiers: ClinVar variation 1725453 (VCV001725453.2), dbSNP rs2520863301, ClinGen allele CA2580101623.
Genomic context (GRCh38, chrX:149,498,178, plus strand): 5'-TGAAGGGGATGTGTGGCTTATGATACCCAACGGCCAGGAAGAAAGGACTGGCTGACGTTT[TC>T]ATCTTTTCCAACAACTGTATGGCTTGCTCAGTGCTCTGTTTGTCAGGCAAGGTGCCCTCG-3'

ClinVar aggregate classification (germline): Likely pathogenic (1 of 4 stars; one submission).

Conditions:
Mucopolysaccharidosis, MPS-II (MPS2). Also called: Mucopolysaccharidosis type 2; IDS deficiency; Sulfoiduronate sulfatase deficiency; SIDS deficiency; Attenuated MPS (subtype; formerly known as mild MPS II); Severe MPS II. Identifiers: Orphanet 580, Orphanet 79388, MedGen C0026705, MONDO:0010674, OMIM 309900.

Submission:

Myriad Genetics, Inc.
Classification: Likely pathogenic for Mucopolysaccharidosis, MPS-II. Last evaluated: 2022-03-22. Review status: criteria provided, single submitter. Criteria: Myriad Women's Health Autosomal Recessive and X-Linked Classification Criteria (2021). Collection method: clinical testing. Allele origin: unknown.
Comment: NM_000202.5(IDS):c.636delG(M212Ifs*68) is expected to be pathogenic in the context of mucopolysaccharidosis type II. This variant is predicted to lead to an abnormal or absent protein product due to the creation of a premature termination codon in IDS, a gene where loss-of-function variants are known to be pathogenic. Please note: this variant was assessed in the context of healthy population screening.